The following is an entry in ClinVar:

ClinVar aggregate classification (germline): Uncertain significance (1 of 4 stars; one submission).

Allele frequency attached by ClinVar (database versions not stated): gnomAD exomes below 0.00001.
gnomAD v4.1: 3 of 1,210,308 alleles (0.00025%); highest among the groups gnomAD compares: Non-Finnish European, 0.00034%; no homozygotes.

Submission:

GeneDx
Classification: Uncertain significance. Last evaluated: 2023-02-14. Review status: criteria provided, single submitter. Criteria: GeneDx Variant Classification Process June 2021. Collection method: clinical testing. Allele origin: germline. Affected: yes.
Comment: Nonsense variant predicted to result in protein truncation as the last 2 amino acids are lost, although loss-of-function variants have not been reported downstream of this position in the protein; Has not been previously published as pathogenic or benign to our knowledge

NM_002547.3(OPHN1):c.2401G>T (p.Glu801Ter)

Gene: OPHN1 (oligophrenin 1; minus strand). Cytogenetic location: Xq12.
Variant type: single nucleotide variant.
Coding change: c.2401G>T on transcript NM_002547.3 (MANE Select); coding-DNA position 2401, G replaced by T.
Protein change: p.Glu801Ter; replaces glutamic acid 801 with a stop codon.
Molecular consequence: nonsense.
Genome position (GRCh38, 1-based): chrX:68,048,432, C>A on the plus strand (G>T on the coding strand, the complement: OPHN1 is on the minus strand). VCF-style: chrX-68048432-C-A. GRCh37 (hg19) VCF-style: chrX-67268274-C-A.
Other names: short protein forms E801*.
Identifiers: ClinVar variation 2575686 (VCV002575686.1), dbSNP rs1338314674, ClinGen allele CA413429566.